The following is an entry in ClinVar:

ClinVar aggregate classification (germline): Uncertain significance. Review status: criteria provided, single submitter (1 of 4 stars). 2 submissions from 2 submitters: Uncertain significance (1). 1 of the submissions does not count toward it. Last evaluated 2023-05-04.

Conditions:
Hypogonadotropic hypogonadism 2 with or without anosmia (HH2). Also called: HYPOGONADOTROPIC HYPOGONADISM 2 WITHOUT ANOSMIA; HYPOGONADOTROPIC HYPOGONADISM 2 WITH OR WITHOUT ANOSMIA, SUSCEPTIBILITY TO; HYPOGONADOTROPIC HYPOGONADISM 2 WITHOUT ANOSMIA, SUSCEPTIBILITY TO; FGFR1-Related GnRH Deficiency (Kallmann Syndrome 2). Identifiers: Orphanet 478, MedGen C1563720, MONDO:0007844, OMIM 147950. Disease mechanism: loss of function.
Hypogonadotropic hypogonadism 2 with anosmia. Identifiers: MedGen C4016104.

Submissions (2):

Reproductive Endocrine Unit, Massachusetts General Hospital
Classification: Uncertain significance for Hypogonadotropic hypogonadism 2 with or without anosmia. Last evaluated: 2023-05-04. Review status: criteria provided, single submitter. Criteria: ACMG Guidelines, 2015. Collection method: research. Allele origin: unknown. Affected: yes. Observed: 1 variant allele.
Comment: The variant has been classified as VUS based on the variant meeting the following ACMG Criteria: PM2,PP2.

OMIM
Classification: risk factor for HYPOGONADOTROPIC HYPOGONADISM 2 WITH ANOSMIA, SUSCEPTIBILITY TO. Last evaluated: 2013-05-02. Review status: no assertion criteria provided. Collection method: literature only. Allele origin: germline. Not counted in ClinVar's aggregate classification.

Literature cited by the submitters: PubMed 23643382 (cited by OMIM).

NM_023110.3(FGFR1):c.1447C>A (p.Pro483Thr)

Gene: FGFR1 (fibroblast growth factor receptor 1; minus strand). Cytogenetic location: 8p11.23.
Variant type: single nucleotide variant.
Coding change: c.1447C>A on transcript NM_023110.3 (MANE Select); coding-DNA position 1447, C replaced by A.
Protein change: p.Pro483Thr; replaces proline 483 with threonine.
Molecular consequence: missense variant.
Genome position (GRCh38, 1-based): chr8:38,417,975, G>T on the plus strand (C>A on the coding strand, the complement: FGFR1 is on the minus strand). VCF-style: chr8-38417975-G-T. GRCh37 (hg19) VCF-style: chr8-38275493-G-T.
Other names: c.1441C>A, p.Pro481Thr (NM_001174063.2, NM_001174065.2, NM_001354367.2 and 1 more transcripts); c.1417C>A, p.Pro473Thr (NM_001174064.2); c.1180C>A, p.Pro394Thr (NM_001174066.2, NM_023105.3); c.1540C>A, p.Pro514Thr (NM_001174067.2); c.1168C>A, p.Pro390Thr (NM_001354368.2); c.1435C>A, p.Pro479Thr (NM_001354369.2); c.1174C>A, p.Pro392Thr (NM_001354370.2, NM_023106.3); short protein forms P483T, P392T, P481T, P390T, P473T, P479T, P394T, P514T.
Identifiers: ClinVar variation 50850 (VCV000050850.2), dbSNP rs397515444, ClinGen allele CA143802.